The following is an entry in ClinVar:

ClinVar aggregate classification (germline): Uncertain significance. Review status: criteria provided, single submitter (1 of 4 stars). 2 submissions from 1 submitter: Uncertain significance (2). Last evaluated 2018-01-26.

Conditions:
Renal cell carcinoma. Identifiers: Orphanet 217071, MedGen C0007134, MeSH D002292, MONDO:0005086, HP:0005584.
Papillary renal cell carcinoma type 1 (RCCP1). Also called: RENAL CELL CARCINOMA, PAPILLARY, 1, SOMATIC; Renal adenocarcinoma; Renal cell carcinoma 1; Renal cell carcinoma, somatic. Identifiers: Orphanet 47044, MedGen C1336839, OMIM 605074, HP:0011797.

Submissions (2):

Labcorp Genetics (formerly Invitae), Labcorp
Classification: Uncertain significance for Renal cell carcinoma, papillary, 1. Last evaluated: 2018-01-26. Review status: criteria provided, single submitter. Criteria: Invitae Variant Classification Sherloc (09022015). Collection method: clinical testing. Allele origin: germline.
Comment: This variant is a gross duplication of the genomic region encompassing exons 2-10 of the MET gene. The 5' end of this event is unknown as it extends beyond the assayed region for this gene and therefore may encompass additional genes. The 3' boundary is likely confined to intron 10 of the MET gene. The exact location of this variant in the genome is unknown. This variant has not been reported in the literature in individuals with a MET-related disease. Experimental studies and prediction algorithms are not available for this variant, and the functional significance of the duplicated amino acids is currently unknown. In summary, the available evidence is currently insufficient to determine the role of this variant in disease. Therefore, it has been classified as a Variant of Uncertain Significance.

Labcorp Genetics (formerly Invitae), Labcorp
Classification: Uncertain significance for Renal cell carcinoma. Last evaluated: 2018-01-17. Review status: criteria provided, single submitter. Criteria: Invitae Variant Classification Sherloc (09022015). Collection method: clinical testing. Allele origin: germline.
Comment: Experimental studies and prediction algorithms are not available for this variant, and the functional significance of the duplicated amino acids is currently unknown. In summary, the available evidence is currently insufficient to determine the role of this variant in disease. Therefore, it has been classified as a Variant of Uncertain Significance. This variant has not been reported in the literature in individuals with a MET-related disease. This variant is a gross duplication of the genomic region encompassing exons 2-10 of the MET gene. The 5' end of this event is unknown as it extends beyond the assayed region for this gene and therefore may encompass additional genes. The 3' boundary is likely confined to intron 10 of the MET gene. The exact location of this variant in the genome is unknown.

NC_000007.13:g.(?_116339133)_(116399550_?)dup

Gene: MET (MET proto-oncogene, receptor tyrosine kinase; plus strand). Cytogenetic location: 7q31.2.
Variant type: Duplication.
Identifiers: ClinVar variation 1003318 (VCV001003318.7).